The following is an entry in ClinVar:

ClinVar aggregate classification (germline): Uncertain significance (1 of 4 stars; one submission).

Submission:

Labcorp Genetics (formerly Invitae), Labcorp
Classification: Uncertain significance. Last evaluated: 2022-09-22. Review status: criteria provided, single submitter. Criteria: Invitae Variant Classification Sherloc (09022015). Collection method: clinical testing. Allele origin: germline.
Comment: This variant, c.283_285del, results in the deletion of 1 amino acid(s) of the IDH3B protein (p.Glu95del), but otherwise preserves the integrity of the reading frame. In summary, the available evidence is currently insufficient to determine the role of this variant in disease. Therefore, it has been classified as a Variant of Uncertain Significance. Experimental studies and prediction algorithms are not available or were not evaluated, and the functional significance of this variant is currently unknown. This variant has not been reported in the literature in individuals affected with IDH3B-related conditions. This variant is present in population databases (rs779486676, gnomAD 0.003%).

NM_006899.5(IDH3B):c.280GAG[1] (p.Glu95del)

Gene: IDH3B (isocitrate dehydrogenase (NAD(+)) 3 non-catalytic subunit beta; minus strand). Cytogenetic location: 20p13.
Variant type: Microsatellite.
Coding change: c.280GAG[1] on transcript NM_006899.5 (MANE Select); one copy of the 3-base unit GAG starting at c.280; the reference has two copies in a row; one copy, 3 bases deleted.
Protein change: p.Glu95del; deletes glutamic acid 95.
Molecular consequence: inframe deletion. On other transcripts: non-coding transcript variant (1).
Genome position (GRCh38, 1-based): chr20:2,663,498-2,663,500, CTC deleted on the plus strand (GAG on the coding strand, the reverse complement: IDH3B is on the minus strand); deleting any 3 consecutive bases within chr20:2,663,498-2,663,503 gives the same sequence; the position shown is the placement nearest the transcript's 3' end. VCF-style (leftmost placement, unchanged base first): chr20-2663497-TCTC-T. GRCh37 (hg19) VCF-style: chr20-2644143-TCTC-T.
Other names: c.280GAG[1], p.Glu95del (NM_001258384.3, NM_001330763.2, NM_174855.4); short protein forms E95del.
Identifiers: ClinVar variation 2029721 (VCV002029721.4), dbSNP rs779486676, ClinGen allele CA9735328.